The following is an entry in ClinVar:

ClinVar aggregate classification (germline): Likely pathogenic (1 of 4 stars; one submission).

Submission:

GeneDx
Classification: Likely pathogenic. Last evaluated: 2023-04-24. Review status: criteria provided, single submitter. Criteria: GeneDx Variant Classification Process June 2021. Collection method: clinical testing. Allele origin: germline. Affected: yes.
Comment: Not observed at significant frequency in large population cohorts (gnomAD); In-frame deletion of 1 amino acid in a non-repeat region; In silico analysis supports that this variant does not alter protein structure/function; This variant is associated with the following publications: (PMID: 36777730)

NM_014159.7(SETD2):c.2511TAG[1] (p.Ser838del)

Gene: SETD2 (SET domain containing 2, histone lysine methyltransferase; minus strand). Cytogenetic location: 3p21.31.
Variant type: Microsatellite.
Coding change: c.2511TAG[1] on transcript NM_014159.7 (MANE Select); one copy of the 3-base unit TAG starting at c.2511; the reference has two copies in a row; one copy, 3 bases deleted; also written c.2514_2516del.
Protein change: p.Ser838del; deletes serine 838.
Molecular consequence: inframe deletion. On other transcripts: inframe indel (2), non-coding transcript variant (1).
Genome position (GRCh38, 1-based): chr3:47,122,120-47,122,122, CTA deleted on the plus strand (TAG on the coding strand, the reverse complement: SETD2 is on the minus strand); deleting any 3 consecutive bases within chr3:47,122,120-47,122,125 gives the same sequence; the position shown is the placement nearest the transcript's 3' end. VCF-style (leftmost placement, unchanged base first): chr3-47122119-TCTA-T. GRCh37 (hg19) VCF-style: chr3-47163609-TCTA-T.
Other names: c.2379TAG[1], p.Ser794del (NM_001349370.3); c.2511_2513TAG[1], p.Ser838del (NM_014159.6); c.2514_2516del (NM_014159.6); short protein forms S794del, S838del.
Identifiers: ClinVar variation 3343168 (VCV003343168.1).
Genomic context (GRCh38, chr3:47,122,119, plus strand): 5'-AGTGCTACCGATGCTCTGCTTATATTCTTCACATGCAAATTTTGAGTGATCTGTCAAATT[TCTA>T]CTATCACATATAACTGGTTTTGATTCCAAATGCACATTCATAAAGCTATTTGAAGAAATC-3'